The following is an entry in ClinVar:

ClinVar aggregate classification (germline): Likely pathogenic. Review status: criteria provided, multiple submitters, no conflicts (2 of 4 stars). 5 submissions from 5 submitters: Likely pathogenic (4). 1 of the submissions does not count toward it. Last evaluated 2025-11-03.

Conditions:
GNPTG-related disorder. Also called: GNPTG-related condition.
GNPTG-mucolipidosis. Also called: Mucolipidosis type III gamma; MUCOLIPIDOSIS III, COMPLEMENTATION GROUP C; MUCOLIPIDOSIS III, IRANIAN VARIANT FORM; MUCOLIPIDOSIS III, VARIANT FORM; ML III GAMMA; ML IIIC. Identifiers: Orphanet 423470, Orphanet 577, MedGen C1854896, MONDO:0009652, OMIM 252605.

Allele frequency attached by ClinVar (database versions not stated): ExAC below 0.00001; gnomAD exomes 0.00001; gnomAD 0.00002; TOPMed 0.00002.
gnomAD v4.1: 20 of 1,569,658 alleles (0.0013%); highest among the groups gnomAD compares: Non-Finnish European, 0.0016%; no homozygotes.

Submissions (5):

Natera, Inc.
Classification: Likely pathogenic for Mucolipidosis III gamma. Last evaluated: 2025-11-03. Review status: criteria provided, single submitter. Criteria: Natera Variant Classification Schema (03/2026). Collection method: clinical testing. Allele origin: germline.
Comment: The c.53-2A>G variant in GNPTG is a canonical splice acceptor site variant predicted to affect pre-mRNA splicing, which may result in an abnormal transcript and altered protein product. This variant is expected to result in nonsense mediated decay, truncation, or a dysfunctional protein product. This variant is rare in the general population with a frequency below the threshold expected for the associated phenotype(s). Given the available evidence, this variant is classified as Likely Pathogenic.

Labcorp Genetics (formerly Invitae), Labcorp
Classification: Likely pathogenic. Last evaluated: 2025-10-21. Review status: criteria provided, single submitter. Criteria: Invitae Variant Classification Sherloc (09022015). Collection method: clinical testing. Allele origin: germline.
Comment: This sequence change affects an acceptor splice site in intron 1 of the GNPTG gene. It is expected to disrupt RNA splicing. Variants that disrupt the donor or acceptor splice site typically lead to a loss of protein function (PMID: 16199547), and loss-of-function variants in GNPTG are known to be pathogenic (PMID: 19370764, 20301784). This variant is not present in population databases (gnomAD no frequency). This variant has not been reported in the literature in individuals affected with GNPTG-related conditions. ClinVar contains an entry for this variant (Variation ID: 551781). Algorithms developed to predict the effect of sequence changes on RNA splicing suggest that this variant may disrupt the consensus splice site. In summary, the currently available evidence indicates that the variant is pathogenic, but additional data are needed to prove that conclusively. Therefore, this variant has been classified as Likely Pathogenic.

Fulgent Genetics
Classification: Likely pathogenic for GNPTG-mucolipidosis. Last evaluated: 2024-03-03. Review status: criteria provided, single submitter. Criteria: ACMG Guidelines, 2015. Collection method: clinical testing. Allele origin: germline.

Blueprint Genetics
Classification: Likely pathogenic for GNPTG-related disorders. Last evaluated: 2021-07-06. Review status: criteria provided, single submitter. Criteria: ACMG Guidelines, 2015. Collection method: clinical testing. Allele origin: germline. Affected: yes. Observed: 1 variant allele.

Counsyl
Classification: Likely pathogenic for GNPTG-mucolipidosis. Last evaluated: 2017-05-09. Review status: no assertion criteria provided. Collection method: clinical testing. Allele origin: unknown. Not counted in ClinVar's aggregate classification.

Literature cited by the submitters: PubMed 16199547 (cited by Labcorp Genetics (formerly Invitae), Labcorp); PubMed 19370764 (cited by Labcorp Genetics (formerly Invitae), Labcorp); PubMed 20301784 (cited by Labcorp Genetics (formerly Invitae), Labcorp).

NM_032520.5(GNPTG):c.53-2A>G

Genes: GNPTG (N-acetylglucosamine-1-phosphate transferase subunit gamma; plus strand), LOC130058158 (ATAC-STARR-seq lymphoblastoid silent region 6972; plus strand). Cytogenetic location: 16p13.3.
Variant type: single nucleotide variant.
Coding change: c.53-2A>G on transcript NM_032520.5 (MANE Select); the canonical splice acceptor site of the intron before coding-DNA position 53, A replaced by G.
Molecular consequence: splice acceptor variant.
Genome position (GRCh38, 1-based): chr16:1,352,100, A>G. VCF-style: chr16-1352100-A-G. GRCh37 (hg19) VCF-style: chr16-1402101-A-G.
Identifiers: ClinVar variation 551781 (VCV000551781.15), dbSNP rs779597308, ClinGen allele CA7807457.
Genomic context (GRCh38, chr16:1,352,100, plus strand): 5'-TCCCCAGGCCCCGCGCGCGCTCTGCACCCCGGCCTCCCCGCTCACGGTCTCGCTCCCCGT[A>G]GGGCCCGCGCCGGCAGGTGCAGCGAAGATGAAGGTGGTGGAGGAGCCCAACGCGTTTGGG-3'